The following is an entry in ClinVar:

ClinVar aggregate classification (germline): Uncertain significance (1 of 4 stars; one submission).

Allele frequency attached by ClinVar (database versions not stated): gnomAD 0.00001; ExAC 0.00001.
gnomAD v4.1: 21 of 1,612,082 alleles (0.0013%); highest among the groups gnomAD compares: Non-Finnish European, 0.0017%; no homozygotes.

Submission:

Labcorp Genetics (formerly Invitae), Labcorp
Classification: Uncertain significance. Last evaluated: 2022-05-30. Review status: criteria provided, single submitter. Criteria: Invitae Variant Classification Sherloc (09022015). Collection method: clinical testing. Allele origin: germline.
Comment: This sequence change replaces histidine, which is basic and polar, with glutamine, which is neutral and polar, at codon 1468 of the SI protein (p.His1468Gln). This variant is present in population databases (rs201768364, gnomAD 0.002%). This variant has not been reported in the literature in individuals affected with SI-related conditions. ClinVar contains an entry for this variant (Variation ID: 1501234). Algorithms developed to predict the effect of missense changes on protein structure and function are either unavailable or do not agree on the potential impact of this missense change (SIFT: "Deleterious"; PolyPhen-2: "Benign"; Align-GVGD: "Class C0"). In summary, the available evidence is currently insufficient to determine the role of this variant in disease. Therefore, it has been classified as a Variant of Uncertain Significance.

NM_001041.4(SI):c.4404T>A (p.His1468Gln)

Gene: SI (sucrase-isomaltase; minus strand). Cytogenetic location: 3q26.1.
Variant type: single nucleotide variant.
Coding change: c.4404T>A on transcript NM_001041.4 (MANE Select); coding-DNA position 4404, T replaced by A.
Protein change: p.His1468Gln; replaces histidine 1468 with glutamine.
Molecular consequence: missense variant.
Genome position (GRCh38, 1-based): chr3:165,006,818, A>T on the plus strand (T>A on the coding strand, the complement: SI is on the minus strand). VCF-style: chr3-165006818-A-T. GRCh37 (hg19) VCF-style: chr3-164724606-A-T.
Other names: short protein forms H1468Q.
Identifiers: ClinVar variation 1501234 (VCV001501234.3), dbSNP rs201768364, ClinGen allele CA2689940.